The following is an entry in ClinVar:

NM_000518.5(HBB):c.92+1G>A

Genes: HBB (hemoglobin subunit beta; minus strand), LOC106099062 (HBB recombination region; plus strand), LOC107133510 (origin of replication at HBB; plus strand). Cytogenetic location: 11p15.4.
Variant type: single nucleotide variant.
Coding change: c.92+1G>A on transcript NM_000518.5 (MANE Select); the canonical splice donor site of the intron after coding-DNA position 92, G replaced by A.
Molecular consequence: splice donor variant.
Genome position (GRCh38, 1-based): chr11:5,226,929, C>T on the plus strand (G>A on the coding strand, the complement: HBB is on the minus strand). VCF-style: chr11-5226929-C-T. GRCh37 (hg19) VCF-style: chr11-5248159-C-T.
Other names: IVS1-1G>A; IVS I-1 G>A; IVS1, G-A, +1; c.[92+1G>A] (NM_000518.4).
Identifiers: ClinVar variation 15436 (VCV000015436.144), dbSNP rs33971440, ClinGen allele CA125303.

ClinVar aggregate classification (germline): Pathogenic. Review status: criteria provided, multiple submitters, no conflicts (2 of 4 stars). 39 submissions from 38 submitters: Pathogenic (33). 6 of the submissions do not count toward it. Last evaluated 2025-12-30.

Conditions:
Hereditary persistence of fetal hemoglobin. Identifiers: MedGen C0019025, MONDO:0020989, OMIM 141749.
Heinz body anemia. Also called: Heinz body hemolytic anemia. Identifiers: Orphanet 178330, MedGen C0700299, MONDO:0007705, OMIM 140700, HP:0005511.
METHEMOGLOBINEMIA, BETA TYPE. Also called: Methemoglobinemia, beta-globin type. Identifiers: MedGen C1840779, OMIM 617971.
Dominant beta-thalassemia. Also called: Beta-thalassemia, dominant inclusion body type. Identifiers: Orphanet 231226, Orphanet 848, MedGen C1858990, MONDO:0011381, OMIM 603902.
Malaria, susceptibility to. Identifiers: Orphanet 673, MedGen C1970028, MONDO:0021024, OMIM 611162.
Beta-thalassemia HBB/LCRB. Identifiers: MedGen CN322236, MONDO:0013517, OMIM 613985.
Erythrocytosis, familial, 6. Also called: ERYTHROCYTOSIS, BETA-GLOBIN TYPE; POLYCYTHEMIA, BETA-GLOBIN TYPE. Identifiers: MedGen C4693822, MONDO:0054801, OMIM 617980.
Hb SS disease (SCD). Also called: Sickle cell anemia; Sickle cell disease; HbS disease; Hemoglobin S Disease; Sickling disorder due to hemoglobin S; Hemoglobin SS. Identifiers: Orphanet 232, Orphanet 275752, MedGen C0002895, MONDO:0011382, OMIM 603903.
HBB-related disorder. Also called: HBB-related disorders; HBB-related condition. Identifiers: MedGen CN239378.
Inborn genetic diseases. Identifiers: MedGen C0950123, MeSH D030342.
Beta zero thalassemia. Identifiers: MedGen C0271980.
Fetal hemoglobin quantitative trait locus 1 (HBFQTL1). Identifiers: Orphanet 251380, MedGen C1841621.
beta Thalassemia (BTHAL). Also called: Cooley's anemia; Erythroblastic anemia; Mediterranean anemia. Identifiers: Orphanet 848, MedGen C0005283, MONDO:0019402. Disease mechanism: loss of function.

Allele frequency attached by ClinVar (database versions not stated): gnomAD 0.00005; TOPMed 0.00010; 1000 Genomes Project 30x 0.00031; 1000 Genomes Project 0.00020.
gnomAD v4.1: 75 of 1,612,880 alleles (0.0047%); highest among the groups gnomAD compares: Middle Eastern, 0.033%; no homozygotes.

Submissions 1 to 10 of 39:

Labcorp Genetics (formerly Invitae), Labcorp
Classification: Pathogenic. Last evaluated: 2025-12-30. Review status: criteria provided, single submitter. Criteria: Invitae Variant Classification Sherloc (09022015). Collection method: clinical testing. Allele origin: germline.
Comment: This sequence change affects a donor splice site in intron 1 of the HBB gene. It is expected to disrupt RNA splicing. Variants that disrupt the donor or acceptor splice site typically lead to a loss of protein function (PMID: 16199547), and loss-of-function variants in HBB are known to be pathogenic (PMID: 23637309). This variant is present in population databases (rs33971440, gnomAD 0.02%). Disruption of this splice site has been observed in individuals with HBB-related conditions (PMID: 2200760, 28366028, 28391758). ClinVar contains an entry for this variant (Variation ID: 15436). Algorithms developed to predict the effect of sequence changes on RNA splicing suggest that this variant may disrupt the consensus splice site. For these reasons, this variant has been classified as Pathogenic.

Victorian Clinical Genetics Services, Murdoch Childrens Research Institute
Classification: Pathogenic for Beta-thalassemia HBB/LCRB. Last evaluated: 2025-11-11. Review status: criteria provided, single submitter. Criteria: ACMG Guidelines, 2015. Collection method: clinical testing. Allele origin: germline.
Comment: This variant is classified as Pathogenic. Evidence in support of pathogenic classification: Canonical splice site variant; Variant is present in gnomAD <0.01 (v4: 75 heterozygote(s), 0 homozygote(s)); This variant has strong previous evidence of pathogenicity in unrelated individuals. This variant has been classified as pathogenic by multiple clinical laboratories (ClinVar). It has also been reported in multiple compound heterozygous and homozygous individuals with beta thalassaemia (PMID: 32165295). Additional information: This variant is heterozygous; This gene is associated with both recessive and dominant disease (OMIM); Loss of function is a known mechanism of disease in this gene and is associated with HBB-related haemoglobinopathies, including beta thalassaemia (OMIM). Dominant negative is also a suggested mechanism (PMID: 29700171); Variants in this gene are known to have variable expressivity. Variable severity has been reported in sickle cell patients carrying the same variants (PMID: 31788855). In addition, clinical severity of beta thalassaemia patients is also dependent on whether variants in HBB are heterozygous, homozygous or compound heterozygous, and the amount of residual protein that is expressed (PMID: 20301599).

3billion
Classification: Pathogenic for Beta-thalassemia HBB/LCRB. Last evaluated: 2025-08-26. Review status: criteria provided, single submitter. Criteria: ACMG Guidelines, 2015. Collection method: clinical testing. Allele origin: germline. Affected: yes.
Comment: The variant is observed at an extremely low frequency in the gnomAD v4.1.0 dataset (total allele frequency: 0.005%). Predicted Consequence/Location: Canonical splice site: predicted to alter splicing and result in a loss or disruption of normal protein function. Multiple pathogenic loss-of-function variants are reported downstream of the variant. The variant has been observed in multiple (>3) similarly affected unrelated individuals (PMID: 2200760, 28366028, 28391758). The variant has been reported at least twice as pathogenic with clinical assertions and evidence for the classification (ClinVar ID: VCV000015436 /PMID: 1634236 /3billion dataset). Therefore, this variant is classified as Pathogenic according to the recommendation of ACMG/AMP guideline.

Natera, Inc.
Classification: Pathogenic for Beta thalassemia. Last evaluated: 2025-07-25. Review status: criteria provided, single submitter. Criteria: Natera Variant Classification Schema (03/2026). Collection method: clinical testing. Allele origin: germline.
Comment: The c.92+1G>A variant in HBB is a canonical splice donor site variant predicted to affect pre-mRNA splicing, which may result in an abnormal transcript and altered protein product. This variant is expected to result in nonsense mediated decay, truncation, or a dysfunctional protein product. This variant is rare in the general population with a frequency below the threshold expected for the associated phenotype(s). This variant has been observed in one or more individuals affected with the associated recessive disease, as either homozygous or compound heterozygous with a second variant (PMID: 28391758). Given the available evidence, this variant is classified as Pathogenic.

ARUP Laboratories, Molecular Genetics and Genomics, ARUP Laboratories
Classification: Pathogenic. Last evaluated: 2025-07-21. Review status: criteria provided, single submitter. Criteria: ARUP Molecular Germline Variant Investigation Process 2024. Collection method: clinical testing. Allele origin: germline.
Comment: The HBB c.92+1G>A variant (also known as IVS-I-1 G->A, rs33971440, HbVar ID: 817) is predicted to cause a loss of the canonical donor splice site and has been associated with beta(0) thalassemia in several patients (see HbVar link and references therein, Orkin 1982); therefore this variant is considered to be pathogenic. References: Link to HbVar database: Orkin S et al. Linkage of beta-thalassaemia mutations and beta-globin gene polymorphisms with DNA polymorphisms in human beta-globin gene cluster. Nature. 1982;296(5858):627-31. PMID: 6280057

Dasa
Classification: Pathogenic. Last evaluated: 2025-04-22. Review status: criteria provided, single submitter. Criteria: DASA Assertion Criteria. Collection method: clinical testing. Allele origin: germline.
Comment: NM_000518.5(HBB):c.92+1G>A introduces a premature termination codon predicted to result in loss of normal protein function. Loss-of-function is an established mechanism of disease for this gene. This variant has been observed in affected individuals with related phenotype in a genotype context consistent with recessive disease (PMID: 28670942; PMID: 23321370). This variant has been recurrently observed in individuals with related phenotype (PMID: 28670942; PMID: 23321370). The variant is present at low frequency in population datasets. Based on the available data, this variant is classified as pathogenic.

First Genomix Gene Laboratory, Genetic Diagnostics Department
Classification: Pathogenic for Beta-thalassemia HBB/LCRB. Last evaluated: 2025-03-26. Review status: criteria provided, single submitter. Criteria: ACMG Guidelines, 2015. Collection method: clinical testing. Allele origin: germline. Inheritance: Autosomal recessive inheritance. Affected: no. Observed: 1 variant allele.

Center for Genomic Medicine, Rigshospitalet, Copenhagen University Hospital
Classification: Pathogenic. Last evaluated: 2025-03-04. Review status: criteria provided, single submitter. Criteria: ACMG Guidelines, 2015. Collection method: clinical testing. Allele origin: germline.

Clinical Genetics Laboratory, University Hospital Schleswig-Holstein
Classification: Pathogenic for Beta-thalassemia HBB/LCRB. Last evaluated: 2025-01-20. Review status: criteria provided, single submitter. Criteria: ACMG Guidelines, 2015. Collection method: clinical testing. Allele origin: maternal. Observed: 2 heterozygotes.
Comment: ACMG criteria applied: PS4, PVS1, PP1_Strong

Quest Diagnostics Nichols Institute San Juan Capistrano
Classification: Pathogenic. Last evaluated: 2024-12-20. Review status: criteria provided, single submitter. Criteria: Quest Diagnostics criteria. Collection method: clinical testing. Allele origin: unknown.
Comment: The HBB c.92+1G>A variant disrupts a canonical splice-donor site and interferes with normal HBB mRNA splicing. It is associated with beta(0)-thalassemia (HbVar. This variant has been reported in the published literature in many individuals and families affected with beta thalassemia (PMID: 30843739 (2019), 28391758 (2017), 28366028 (2017), 25155404 (2014), 1390250 (1992), 2200760 (1990), 6280057 (1982)), anemia (PMID: 33947296 (2021)), suspected hemoglobinopathy (PMID: 38708170 (2024)), and seen with the sickle cell trait (PMID: 34915846 (2021)). The frequency of this variant in the general population (Genome Aggregation Database) is consistent with pathogenicity. Based on the available information, this variant is classified as pathogenic.